The following is an entry in ClinVar:

NM_000352.6(ABCC8):c.2191C>G (p.Gln731Glu)

Gene: ABCC8 (ATP binding cassette subfamily C member 8; minus strand). Cytogenetic location: 11p15.1.
Variant type: single nucleotide variant.
Coding change: c.2191C>G on transcript NM_000352.6 (MANE Select); coding-DNA position 2191, C replaced by G.
Protein change: p.Gln731Glu; replaces glutamine 731 with glutamic acid.
Molecular consequence: missense variant. On other transcripts: non-coding transcript variant (1).
Genome position (GRCh38, 1-based): chr11:17,427,080, G>C on the plus strand (C>G on the coding strand, the complement: ABCC8 is on the minus strand). VCF-style: chr11-17427080-G-C. GRCh37 (hg19) VCF-style: chr11-17448627-G-C.
Other names: c.2191C>G, p.Gln731Glu (NM_001287174.3); c.2257C>G, p.Gln753Glu (NM_001351295.2); c.2188C>G, p.Gln730Glu (NM_001351296.2, NM_001351297.2); c.2191C>G (NM_000352.3); short protein forms Q730E, Q731E, Q753E.
Identifiers: ClinVar variation 2184227 (VCV002184227.4), dbSNP rs779017346, ClinGen allele CA379813536.

ClinVar aggregate classification (germline): Uncertain significance. Review status: criteria provided, multiple submitters, no conflicts (2 of 4 stars). 3 submissions from 3 submitters: Uncertain significance (3). Last evaluated 2025-07-01.

Conditions:
Leucine-induced hypoglycemia (LIH). Also called: LEUCINE-SENSITIVE HYPOGLYCEMIA OF INFANCY. Identifiers: MedGen C0271714, MONDO:0009415, OMIM 240800.
Hyperinsulinemic hypoglycemia, familial, 1 (HHF1). Also called: Persistent hyperinsulinemic hypoglycemia of infancy; HYPERINSULINISM, FAMILIAL, WITH PANCREATIC NESIDIOBLASTOSIS; HYPOGLYCEMIA, HYPERINSULINEMIC, OF INFANCY; NESIDIOBLASTOSIS OF PANCREAS; Persistent Hyperinsulinemia Hypoglycemia of Infancy. Identifiers: Orphanet 276575, Orphanet 276598, MedGen C2931832, MONDO:0009734, OMIM 256450.
Diabetes mellitus, transient neonatal, 2 (TNDM2). Identifiers: Orphanet 99886, MedGen C1835887, MONDO:0012480, OMIM 610374. Disease mechanism: loss of function.
Diabetes mellitus, permanent neonatal 3. Also called: ABCC8-Related Permanent Neonatal Diabetes Mellitus. Identifiers: MedGen C5394303, MONDO:0030088, OMIM 618857.
Type 2 diabetes mellitus. Also called: Type II diabetes mellitus. Identifiers: MedGen C0011860, MeSH D003924, MONDO:0005148, OMIM 125853, HP:0005978.
Inborn genetic diseases. Identifiers: MedGen C0950123, MeSH D030342.

Allele frequency attached by ClinVar (database versions not stated): gnomAD 0.00001; TOPMed 0.00001.

Submissions (3):

Labcorp Genetics (formerly Invitae), Labcorp
Classification: Uncertain significance. Last evaluated: 2025-07-01. Review status: criteria provided, single submitter. Criteria: Invitae Variant Classification Sherloc (09022015). Collection method: clinical testing. Allele origin: germline.
Comment: This sequence change replaces glutamine, which is neutral and polar, with glutamic acid, which is acidic and polar, at codon 731 of the ABCC8 protein (p.Gln731Glu). This variant is present in population databases (no rsID available, gnomAD 0.003%). This missense change has been observed in individual(s) with autosomal dominant hyperinsulinism (PMID: 32027066). ClinVar contains an entry for this variant (Variation ID: 2184227). Invitae Evidence Modeling of protein sequence and biophysical properties (such as structural, functional, and spatial information, amino acid conservation, physicochemical variation, residue mobility, and thermodynamic stability) has been performed for this missense variant. However, the output from this modeling did not meet the statistical confidence thresholds required to predict the impact of this variant on ABCC8 protein function. In summary, the available evidence is currently insufficient to determine the role of this variant in disease. Therefore, it has been classified as a Variant of Uncertain Significance.

Fulgent Genetics
Classification: Uncertain significance for Type 2 diabetes mellitus; Leucine-induced hypoglycemia; Hyperinsulinemic hypoglycemia, familial, 1; Diabetes mellitus, transient neonatal, 2; Diabetes mellitus, permanent neonatal 3. Last evaluated: 2024-03-25. Review status: criteria provided, single submitter. Criteria: ACMG Guidelines, 2015. Collection method: clinical testing. Allele origin: germline.

Ambry Genetics
Classification: Uncertain significance for Inborn genetic diseases. Last evaluated: 2023-12-29. Review status: criteria provided, single submitter. Criteria: Ambry Variant Classification Scheme 2023. Collection method: clinical testing. Allele origin: germline.

Literature cited by the submitters: PubMed 32027066 (cited by Labcorp Genetics (formerly Invitae), Labcorp and Ambry Genetics).